The following is an entry in ClinVar:

NM_001031710.3(KLHL7):c.843A>C (p.Val281=)

Gene: KLHL7 (kelch like family member 7; plus strand). Cytogenetic location: 7p15.3.
Variant type: single nucleotide variant.
Coding change: c.843A>C on transcript NM_001031710.3 (MANE Select); coding-DNA position 843, A replaced by C.
Protein change: p.Val281=; no amino-acid change (valine 281 retained).
Molecular consequence: synonymous variant. On other transcripts: non-coding transcript variant (1).
Genome position (GRCh38, 1-based): chr7:23,152,116, A>C. VCF-style: chr7-23152116-A-C. GRCh37 (hg19) VCF-style: chr7-23191735-A-C.
Other names: c.699A>C, p.Val233= (NM_018846.5).
Identifiers: ClinVar variation 2499037 (VCV002499037.28), dbSNP rs1784555534, ClinGen allele CA453990994.
Genomic context (GRCh38, chr7:23,152,116, plus strand): 5'-TTTTACTACAGGTGGAATGAGGTACCATCTACTGTCTCCAGAGGACCGAGAAGAACTTGT[A>C]GATGGCACAAGACCTAGAAGAAAGAAACATGACTACCGCATAGCCCTATTTGGAGGCTCT-3'
Protein context (NP_001026880.2, residues 271-291): LLSPEDREEL[Val281=]DGTRPRRKKH

ClinVar aggregate classification (germline): Likely benign (1 of 4 stars; one submission).

Submission:

CeGaT Center for Human Genetics Tuebingen
Classification: Likely benign. Last evaluated: 2023-01-01. Review status: criteria provided, single submitter. Criteria: CeGaT Center For Human Genetics Tuebingen Variant Classification Criteria Version 2. Collection method: clinical testing. Allele origin: germline. Affected: yes. Observed: 1 variant allele.
Comment: KLHL7: PM2:Supporting, BP4, BP7